The following is an entry in ClinVar:

ClinVar aggregate classification (germline): Uncertain significance (1 of 4 stars; one submission).

Submission:

Labcorp Genetics (formerly Invitae), Labcorp
Classification: Uncertain significance. Last evaluated: 2024-03-14. Review status: criteria provided, single submitter. Criteria: Invitae Variant Classification Sherloc (09022015). Collection method: clinical testing. Allele origin: germline.
Comment: This sequence change replaces glutamine, which is neutral and polar, with arginine, which is basic and polar, at codon 141 of the ZCCHC8 protein (p.Gln141Arg). This variant is not present in population databases (gnomAD no frequency). This variant has not been reported in the literature in individuals affected with ZCCHC8-related conditions. Experimental studies and prediction algorithms are not available or were not evaluated, and the functional significance of this variant is currently unknown. Algorithms developed to predict the effect of sequence changes on RNA splicing suggest that this variant may disrupt the consensus splice site. In summary, the available evidence is currently insufficient to determine the role of this variant in disease. Therefore, it has been classified as a Variant of Uncertain Significance.

NM_017612.5(ZCCHC8):c.422A>G (p.Gln141Arg)

Gene: ZCCHC8 (zinc finger CCHC-type containing 8; minus strand). Cytogenetic location: 12q24.31.
Variant type: single nucleotide variant.
Coding change: c.422A>G on transcript NM_017612.5 (MANE Select); coding-DNA position 422, A replaced by G.
Protein change: p.Gln141Arg; replaces glutamine 141 with arginine.
Molecular consequence: missense variant. On other transcripts: 5 prime UTR variant (1), intron variant (1).
Genome position (GRCh38, 1-based): chr12:122,490,463, T>C on the plus strand (A>G on the coding strand, the complement: ZCCHC8 is on the minus strand). VCF-style: chr12-122490463-T-C. GRCh37 (hg19) VCF-style: chr12-122975010-T-C.
Other names: c.422A>G, p.Gln141Arg (NM_001350935.2); c.125A>G, p.Gln42Arg (NM_001350936.2); c.-123A>G (NM_001350937.2); c.-121-1000A>G (NM_001350938.2); short protein forms Q42R, Q141R.
Identifiers: ClinVar variation 3646041 (VCV003646041.2).